The following is an entry in ClinVar:

ClinVar aggregate classification (germline): Uncertain significance (1 of 4 stars; one submission).

gnomAD v4.1: 6 of 1,554,180 alleles (0.00039%); highest among the groups gnomAD compares: Admixed American, 0.0019%; no homozygotes.

Submission:

Ambry Genetics
Classification: Uncertain significance. Last evaluated: 2026-02-27. Review status: criteria provided, single submitter. Criteria: Ambry Variant Classification Scheme 2023. Collection method: clinical testing. Allele origin: germline.
Comment: The c.986G>A (p.R329Q) alteration is located in exon 1 (coding exon 1) of the LRFN4 gene. This alteration results from a G to A substitution at nucleotide position 986, causing the arginine (R) at amino acid position 329 to be replaced by a glutamine (Q). Based on data from gnomAD, the A allele has an overall frequency of 0.001% (1/156738) total alleles studied. The highest observed frequency was 0.004% (1/25416) of Latino alleles. Based on insufficient or conflicting evidence, the clinical significance of this alteration remains unclear.

NM_024036.5(LRFN4):c.986G>A (p.Arg329Gln)

Genes: LRFN4 (leucine rich repeat and fibronectin type III domain containing 4; plus strand), PC (pyruvate carboxylase; minus strand). Cytogenetic location: 11q13.2.
Variant type: single nucleotide variant.
Coding change: c.986G>A on transcript NM_024036.5 (MANE Select); coding-DNA position 986, G replaced by A.
Protein change: p.Arg329Gln; replaces arginine 329 with glutamine.
Molecular consequence: missense variant. On other transcripts: intron variant (9).
Genome position (GRCh38, 1-based): chr11:66,858,730, G>A. VCF-style: chr11-66858730-G-A. GRCh37 (hg19) VCF-style: chr11-66626201-G-A.
Other names: c.986G>A, p.Arg329Gln (NM_001363524.2); c.1368+5044C>T (NM_001439353.1, NM_000920.4, NM_001040716.2 and 6 more transcripts); short protein forms R329Q.
Identifiers: ClinVar variation 4840696 (VCV004840696.1).